The following is an entry in ClinVar:

NM_032387.5(WNK4):c.3563G>A (p.Arg1188His)

Gene: WNK4 (WNK lysine deficient protein kinase 4; plus strand). Cytogenetic location: 17q21.2.
Variant type: single nucleotide variant.
Coding change: c.3563G>A on transcript NM_032387.5 (MANE Select); coding-DNA position 3563, G replaced by A.
Protein change: p.Arg1188His; replaces arginine 1188 with histidine.
Molecular consequence: missense variant.
Genome position (GRCh38, 1-based): chr17:42,796,254, G>A. VCF-style: chr17-42796254-G-A. GRCh37 (hg19) VCF-style: chr17-40948272-G-A.
Other names: c.2555G>A, p.Arg852His (NM_001321299.2); short protein forms R1188H, R852H.
Identifiers: ClinVar variation 3349802 (VCV003349802.2).

ClinVar aggregate classification (germline): Uncertain significance. Review status: criteria provided, single submitter (1 of 4 stars). 2 submissions from 2 submitters: Uncertain significance (1). 1 of the submissions does not count toward it. Last evaluated 2024-05-23.

Conditions:
WNK4-related disorder. Also called: WNK4-related condition.
Pseudohypoaldosteronism type 2B (PHA2B). Also called: Pseudohypoaldosteronism Type IIB. Identifiers: Orphanet 757, Orphanet 88939, MedGen C1840390, MONDO:0013777, OMIM 614491.

gnomAD v4.1: 2 of 1,611,244 alleles (0.00012%); highest among the groups gnomAD compares: East Asian, 0.0022%; no homozygotes.

Submissions (2):

Fulgent Genetics
Classification: Uncertain significance for Pseudohypoaldosteronism type 2B. Last evaluated: 2024-05-23. Review status: criteria provided, single submitter. Criteria: ACMG Guidelines, 2015. Collection method: clinical testing. Allele origin: germline.

PreventionGenetics, part of Exact Sciences
Classification: Uncertain significance for WNK4-related condition. Last evaluated: 2024-06-28. Review status: no assertion criteria provided. Collection method: clinical testing. Allele origin: germline. Not counted in ClinVar's aggregate classification.
Comment: The WNK4 c.3563G>A variant is predicted to result in the amino acid substitution p.Arg1188His. This variant has been reported in an individual with renal insufficiency and elevated circulating creatinine concentration (Table S1, Liu et al. 2023. PubMed ID: 37217505). This variant is reported in 0.0033% of alleles in individuals of South Asian descent in gnomAD. At this time, the clinical significance of this variant is uncertain due to the absence of conclusive functional and genetic evidence.